The following is an entry in ClinVar:

ClinVar aggregate classification (germline): Uncertain significance. Review status: criteria provided, multiple submitters, no conflicts (2 of 4 stars). 2 submissions from 2 submitters: Uncertain significance (2). Last evaluated 2025-01-30.

Conditions:
Inborn genetic diseases. Identifiers: MedGen C0950123, MeSH D030342.

Submissions (2):

Ambry Genetics
Classification: Uncertain significance for Inborn genetic diseases. Last evaluated: 2025-01-30. Review status: criteria provided, single submitter. Criteria: Ambry Variant Classification Scheme 2023. Collection method: clinical testing. Allele origin: germline.
Comment: The p.G1124D variant (also known as c.3371G>A), located in coding exon 1 of the SAMD9 gene, results from a G to A substitution at nucleotide position 3371. The glycine at codon 1124 is replaced by aspartic acid, an amino acid with similar properties. This amino acid position is conserved. In addition, this alteration is predicted to be deleterious by in silico analysis. Based on the available evidence, the clinical significance of this variant remains unclear.

GeneDx
Classification: Uncertain significance. Last evaluated: 2023-11-27. Review status: criteria provided, single submitter. Criteria: GeneDx Variant Classification Process June 2021. Collection method: clinical testing. Allele origin: germline. Affected: yes.
Comment: Not observed at significant frequency in large population cohorts (gnomAD); In silico analysis supports that this missense variant has a deleterious effect on protein structure/function; Has not been previously published as pathogenic or benign to our knowledge; This variant is associated with the following publications: (PMID: 28545555)

NM_017654.4(SAMD9):c.3371G>A (p.Gly1124Asp)

Gene: SAMD9 (sterile alpha motif domain containing 9; minus strand). Cytogenetic location: 7q21.2.
Variant type: single nucleotide variant.
Coding change: c.3371G>A on transcript NM_017654.4 (MANE Select); coding-DNA position 3371, G replaced by A.
Protein change: p.Gly1124Asp; replaces glycine 1124 with aspartic acid.
Molecular consequence: missense variant.
Genome position (GRCh38, 1-based): chr7:93,102,727, C>T on the plus strand (G>A on the coding strand, the complement: SAMD9 is on the minus strand). VCF-style: chr7-93102727-C-T. GRCh37 (hg19) VCF-style: chr7-92732040-C-T.
Other names: c.3371G>A, p.Gly1124Asp (NM_001193307.2); short protein forms G1124D.
Identifiers: ClinVar variation 3364895 (VCV003364895.2).